The following is an entry in ClinVar:

NM_006767.4(LZTR1):c.2180T>A (p.Ile727Asn)

Gene: LZTR1 (leucine zipper like post translational regulator 1; plus strand). Cytogenetic location: 22q11.21.
Variant type: single nucleotide variant.
Coding change: c.2180T>A on transcript NM_006767.4 (MANE Select); coding-DNA position 2180, T replaced by A.
Protein change: p.Ile727Asn; replaces isoleucine 727 with asparagine.
Molecular consequence: missense variant.
Genome position (GRCh38, 1-based): chr22:20,996,073, T>A. VCF-style: chr22-20996073-T-A. GRCh37 (hg19) VCF-style: chr22-21350362-T-A.
Other names: short protein forms I727N.
Identifiers: ClinVar variation 3238212 (VCV003238212.1), dbSNP rs2518624660.

ClinVar aggregate classification (germline): Uncertain significance (1 of 4 stars; one submission).

Conditions:
Hereditary cancer-predisposing syndrome. Also called: Neoplastic Syndromes, Hereditary; Tumor predisposition; Hereditary neoplastic syndrome; Hereditary Cancer Syndrome. Identifiers: Orphanet 140162, MedGen C0027672, MeSH D009386, MONDO:0015356.
Cardiovascular phenotype. Identifiers: MedGen CN230736.

Submission:

Ambry Genetics
Classification: Uncertain significance for Cardiovascular phenotype; Hereditary cancer-predisposing syndrome. Last evaluated: 2023-04-30. Review status: criteria provided, single submitter. Criteria: Ambry Variant Classification Scheme 2023. Collection method: clinical testing. Allele origin: germline.
Comment: The p.I727N variant (also known as c.2180T>A), located in coding exon 18 of the LZTR1 gene, results from a T to A substitution at nucleotide position 2180. The isoleucine at codon 727 is replaced by asparagine, an amino acid with dissimilar properties. This amino acid position is conserved. In addition, this alteration is predicted to be deleterious by in silico analysis. Since supporting evidence is limited at this time, the clinical significance of this alteration remains unclear.